The following is an entry in ClinVar:

ClinVar aggregate classification (germline): Likely pathogenic (1 of 4 stars; one submission).

Submission:

Athena Diagnostics
Classification: Likely pathogenic. Last evaluated: 2021-02-08. Review status: criteria provided, single submitter. Criteria: Athena Diagnostics Criteria. Collection method: clinical testing. Allele origin: unknown.
Comment: This variant has not been reported in large, multi-ethnic general populations. This variant alters a critical location within the protein, and is expected to severely affect function and cause disease. At least one other missense variant at this codon is considered to be pathogenic or likely pathogenic, suggesting this variant may also cause disease. However, patients with two pathogenic variants in this gene have been reported in the literature (PMID: 24277202, 27423596, 30199759, 32122318). Greater than 90% of pathogenic variants identified in NOTCH3 involve the gain or loss of a cysteine residue within the epidermal growth factor (EGF)-like repeat domain.

NM_000435.3(NOTCH3):c.954T>G (p.Cys318Trp)

Gene: NOTCH3 (notch receptor 3; minus strand). Cytogenetic location: 19p13.12.
Variant type: single nucleotide variant.
Coding change: c.954T>G on transcript NM_000435.3 (MANE Select); coding-DNA position 954, T replaced by G.
Protein change: p.Cys318Trp; replaces cysteine 318 with tryptophan.
Molecular consequence: missense variant.
Genome position (GRCh38, 1-based): chr19:15,191,506, A>C on the plus strand (T>G on the coding strand, the complement: NOTCH3 is on the minus strand). VCF-style: chr19-15191506-A-C. GRCh37 (hg19) VCF-style: chr19-15302317-A-C.
Other names: short protein forms C318W.
Identifiers: ClinVar variation 1256541 (VCV001256541.2), dbSNP rs2145439818, ClinGen allele CA404531036.